The following is an entry in ClinVar:

NM_001035.3(RYR2):c.8274G>T (p.Lys2758Asn)

Gene: RYR2 (ryanodine receptor 2; plus strand). Cytogenetic location: 1q43.
Variant type: single nucleotide variant.
Coding change: c.8274G>T on transcript NM_001035.3 (MANE Select); coding-DNA position 8274, G replaced by T.
Protein change: p.Lys2758Asn; replaces lysine 2758 with asparagine.
Molecular consequence: missense variant.
Genome position (GRCh38, 1-based): chr1:237,660,050, G>T. VCF-style: chr1-237660050-G-T. GRCh37 (hg19) VCF-style: chr1-237823350-G-T.
Other names: short protein forms K2758N.
Identifiers: ClinVar variation 3705595 (VCV003705595.2).

ClinVar aggregate classification (germline): Uncertain significance (1 of 4 stars; one submission).

Conditions:
Catecholaminergic polymorphic ventricular tachycardia 1. Also called: VENTRICULAR TACHYCARDIA, STRESS-INDUCED POLYMORPHIC 1; VENTRICULAR TACHYCARDIA, CATECHOLAMINERGIC POLYMORPHIC, 1, WITH OR WITHOUT ATRIAL DYSFUNCTION AND/OR DILATED CARDIOMYOPATHY; RYR2-Related Catecholaminergic Polymorphic Ventricular Tachycardia. Identifiers: Orphanet 3286, MedGen C1631597, MONDO:0011484, OMIM 604772.

gnomAD v4.1: 8 of 1,575,092 alleles (0.00051%); highest among the groups gnomAD compares: Non-Finnish European, 0.00069%; no homozygotes.

Submission:

Labcorp Genetics (formerly Invitae), Labcorp
Classification: Uncertain significance for Catecholaminergic polymorphic ventricular tachycardia 1. Last evaluated: 2024-12-08. Review status: criteria provided, single submitter. Criteria: Invitae Variant Classification Sherloc (09022015). Collection method: clinical testing. Allele origin: germline.
Comment: This sequence change replaces lysine, which is basic and polar, with asparagine, which is neutral and polar, at codon 2758 of the RYR2 protein (p.Lys2758Asn). This variant is not present in population databases (gnomAD no frequency). This variant has not been reported in the literature in individuals affected with RYR2-related conditions. Invitae Evidence Modeling of protein sequence and biophysical properties (such as structural, functional, and spatial information, amino acid conservation, physicochemical variation, residue mobility, and thermodynamic stability) has been performed for this missense variant. However, the output from this modeling did not meet the statistical confidence thresholds required to predict the impact of this variant on RYR2 protein function. In summary, the available evidence is currently insufficient to determine the role of this variant in disease. Therefore, it has been classified as a Variant of Uncertain Significance.